The following is an entry in ClinVar:

NM_004525.3(LRP2):c.1973A>G (p.Tyr658Cys)

Gene: LRP2 (LDL receptor related protein 2; minus strand). Cytogenetic location: 2q31.1.
Variant type: single nucleotide variant.
Coding change: c.1973A>G on transcript NM_004525.3 (MANE Select); coding-DNA position 1973, A replaced by G.
Protein change: p.Tyr658Cys; replaces tyrosine 658 with cysteine.
Molecular consequence: missense variant.
Genome position (GRCh38, 1-based): chr2:169,275,038, T>C on the plus strand (A>G on the coding strand, the complement: LRP2 is on the minus strand). VCF-style: chr2-169275038-T-C. GRCh37 (hg19) VCF-style: chr2-170131548-T-C.
Other names: short protein forms Y658C.
Identifiers: ClinVar variation 332195 (VCV000332195.29), dbSNP rs111360923, ClinGen allele CA1955434.

ClinVar aggregate classification (germline): Conflicting classifications of pathogenicity. Review status: criteria provided, conflicting classifications (1 of 4 stars). 8 submissions from 8 submitters: Uncertain significance (1); Likely benign (6). 1 of the submissions does not count toward it. Last evaluated 2026-09-08.

Conditions:
LRP2-related disorder. Also called: LRP2-related condition.
Inborn genetic diseases. Identifiers: MedGen C0950123, MeSH D030342.
Donnai-Barrow syndrome. Also called: DBS/FOAR SYNDROME; FACIOOCULOACOUSTICORENAL SYNDROME. Identifiers: Orphanet 2143, MedGen C1857277, MONDO:0009104, OMIM 222448.

Allele frequency attached by ClinVar (database versions not stated): 1000 Genomes Project 30x 0.00156; 1000 Genomes Project 0.00160; gnomAD 0.00248; TOPMed 0.00269; ESP Exome Variant Server 0.00323.
gnomAD v4.1: 816 of 1,613,420 alleles (0.051%); highest among the groups gnomAD compares: African/African-American, 0.81%; 4 homozygotes.

Submissions (8):

GeneDx
Classification: Uncertain significance. Last evaluated: 2026-09-08. Review status: criteria provided, single submitter. Criteria: GeneDx Variant Classification Process June 2021. Collection method: clinical testing. Allele origin: germline.
Comment: Observed in a child with sensorineural hearing loss, dysplastic bilateral vestibules, bilateral hypoplastic cochlea, and bilateral lateral and posterior semicircular canal aplasia in a published case report; however, no second LRP2 variant was reported and variants in other genes were also found (Albazroun F et al. (2018) Scholarly Journal of Otolaryngology. 1 (4) DOI 10.32474/SJO.2018.01.000116); In silico analysis supports that this missense variant has a deleterious effect on protein structure/function; This variant is associated with the following publications: (PMID: Albazroun_2018_Case report)

CeGaT Center for Human Genetics Tuebingen
Classification: Likely benign. Last evaluated: 2026-02-01. Review status: criteria provided, single submitter. Criteria: CeGaT Center For Human Genetics Tuebingen Variant Classification Criteria Version 2. Collection method: clinical testing. Allele origin: germline. Affected: yes. Observed: 1 variant allele.
Comment: LRP2: BP4

Labcorp Genetics (formerly Invitae), Labcorp
Classification: Likely benign. Last evaluated: 2026-02-01. Review status: criteria provided, single submitter. Criteria: Invitae Variant Classification Sherloc (09022015). Collection method: clinical testing. Allele origin: germline.

Blueprint Genetics
Classification: Likely benign. Last evaluated: 2024-11-08. Review status: criteria provided, single submitter. Criteria: ACMG Guidelines, 2015. Collection method: clinical testing. Allele origin: germline.

Ambry Genetics
Classification: Likely benign for Inborn genetic diseases. Last evaluated: 2021-09-17. Review status: criteria provided, single submitter. Criteria: Ambry Variant Classification Scheme 2023. Collection method: clinical testing. Allele origin: germline.

Genome-Nilou Lab
Classification: Likely benign for Donnai-Barrow syndrome. Last evaluated: 2021-07-15. Review status: criteria provided, single submitter. Criteria: ACMG Guidelines, 2015. Collection method: clinical testing. Allele origin: germline. Affected: no.

Illumina Laboratory Services, Illumina
Classification: Likely benign for Donnai-Barrow syndrome. Last evaluated: 2018-01-12. Review status: criteria provided, single submitter. Criteria: ICSL Variant Classification Criteria 13 December 2019. Collection method: clinical testing. Allele origin: germline.
Comment: This variant was observed in the ICSL laboratory as part of a predisposition screen in an ostensibly healthy population. It had not been previously curated by ICSL or reported in the Human Gene Mutation Database (HGMD: prior to June 1st, 2018), and was therefore a candidate for classification through an automated scoring system. Utilizing variant allele frequency, disease prevalence and penetrance estimates, and inheritance mode, an automated score was calculated to assess if this variant is too frequent to cause the disease. Based on the score and internal cut-off values, a variant classified as likely benign is not then subjected to further curation. The score for this variant resulted in a classification of likely benign for this disease.

PreventionGenetics, part of Exact Sciences
Classification: Benign for LRP2-related condition. Last evaluated: 2020-05-04. Review status: no assertion criteria provided. Collection method: clinical testing. Allele origin: germline. Not counted in ClinVar's aggregate classification.
Comment: This variant is classified as benign based on ACMG/AMP sequence variant interpretation guidelines (Richards et al. 2015 PMID: 25741868, with internal and published modifications).